The following is an entry in ClinVar:

ClinVar aggregate classification (germline): Uncertain significance (1 of 4 stars; one submission).

Conditions:
Inborn genetic diseases. Identifiers: MedGen C0950123, MeSH D030342.

Allele frequency attached by ClinVar (database versions not stated): ExAC 0.00001; gnomAD exomes 0.00001.
gnomAD v4.1: 9 of 1,614,240 alleles (0.00056%); highest among the groups gnomAD compares: Non-Finnish European, 0.00076%; no homozygotes.

Submission:

Ambry Genetics
Classification: Uncertain significance for Inborn genetic diseases. Last evaluated: 2021-02-11. Review status: criteria provided, single submitter. Criteria: Ambry Variant Classification Scheme 2023. Collection method: clinical testing. Allele origin: germline.
Comment: The c.1132G>A (p.E378K) alteration is located in exon 4 (coding exon 3) of the KCNJ6 gene. This alteration results from a G to A substitution at nucleotide position 1132, causing the glutamic acid (E) at amino acid position 378 to be replaced by a lysine (K). Based on data from the Genome Aggregation Database (gnomAD), the KCNJ6 c.1132G>A alteration was not observed, with coverage at this position. This amino acid position is well conserved in available vertebrate species. The p.E378K alteration is predicted to be tolerated by in silico analysis. Based on insufficient or conflicting evidence, the clinical significance of this alteration remains unclear.

NM_002240.5(KCNJ6):c.1132G>A (p.Glu378Lys)

Genes: KCNJ6 (potassium inwardly rectifying channel subfamily J member 6; minus strand), KCNJ6-AS1 (KCNJ6 antisense RNA 1; plus strand). Cytogenetic location: 21q22.13.
Variant type: single nucleotide variant.
Coding change: c.1132G>A on transcript NM_002240.5 (MANE Select); coding-DNA position 1132, G replaced by A.
Protein change: p.Glu378Lys; replaces glutamic acid 378 with lysine.
Molecular consequence: missense variant.
Genome position (GRCh38, 1-based): chr21:37,625,299, C>T on the plus strand (G>A on the coding strand, the complement: KCNJ6 is on the minus strand). VCF-style: chr21-37625299-C-T. GRCh37 (hg19) VCF-style: chr21-38997601-C-T.
Other names: short protein forms E378K.
Identifiers: ClinVar variation 2229119 (VCV002229119.2), dbSNP rs777214818, ClinGen allele CA10024243.
Genomic context (GRCh38, chr21:37,625,299, plus strand): 5'-CAGTCTCCAGTTCTGCATGTTGGTTGAGTTTGCTGGATACAGACCAACTCAGGGGCAGCT[C>T]TGCCCTGCTGGCTAACTCGGCCAGCTCTTTGGCACTAAGGGATGGGGTGCTGGTCTCATA-3'
Protein context (NP_002231.1, residues 368-388): KELAELASRA[Glu378Lys]LPLSWSVSSK